The following is an entry in ClinVar:

ClinVar aggregate classification (germline): Uncertain significance. Review status: criteria provided, multiple submitters, no conflicts (2 of 4 stars). 2 submissions from 2 submitters: Uncertain significance (2). Last evaluated 2023-02-16.

Conditions:
Inborn genetic diseases. Identifiers: MedGen C0950123, MeSH D030342.
Bardet-Biedl syndrome (BBS). Identifiers: Orphanet 110, MedGen C0752166, MONDO:0015229.

Allele frequency attached by ClinVar (database versions not stated): ExAC 0.00001.
gnomAD v4.1: 1 of 1,611,838 alleles (0.000062%); highest among the groups gnomAD compares: Non-Finnish European, 0.000085%; no homozygotes.

Submissions (2):

Ambry Genetics
Classification: Uncertain significance for Inborn genetic diseases. Last evaluated: 2023-02-16. Review status: criteria provided, single submitter. Criteria: Ambry Variant Classification Scheme 2023. Collection method: clinical testing. Allele origin: germline.

Labcorp Genetics (formerly Invitae), Labcorp
Classification: Uncertain significance for Bardet-Biedl syndrome. Last evaluated: 2022-07-25. Review status: criteria provided, single submitter. Criteria: Invitae Variant Classification Sherloc (09022015). Collection method: clinical testing. Allele origin: germline.
Comment: This sequence change replaces aspartic acid, which is acidic and polar, with glycine, which is neutral and non-polar, at codon 405 of the BBS7 protein (p.Asp405Gly). This variant is present in population databases (rs776401951, gnomAD 0.0009%). In summary, the available evidence is currently insufficient to determine the role of this variant in disease. Therefore, it has been classified as a Variant of Uncertain Significance. Algorithms developed to predict the effect of sequence changes on RNA splicing suggest that this variant may create or strengthen a splice site. Algorithms developed to predict the effect of missense changes on protein structure and function (SIFT, PolyPhen-2, Align-GVGD) all suggest that this variant is likely to be disruptive. This variant has not been reported in the literature in individuals affected with BBS7-related conditions.

NM_176824.3(BBS7):c.1214A>G (p.Asp405Gly)

Gene: BBS7 (Bardet-Biedl syndrome 7; minus strand). Cytogenetic location: 4q27.
Variant type: single nucleotide variant.
Coding change: c.1214A>G on transcript NM_176824.3 (MANE Select); coding-DNA position 1214, A replaced by G.
Protein change: p.Asp405Gly; replaces aspartic acid 405 with glycine.
Molecular consequence: missense variant.
Genome position (GRCh38, 1-based): chr4:121,845,520, T>C on the plus strand (A>G on the coding strand, the complement: BBS7 is on the minus strand). VCF-style: chr4-121845520-T-C. GRCh37 (hg19) VCF-style: chr4-122766675-T-C.
Other names: c.1214A>G (NM_176824.2); c.1214A>G, p.Asp405Gly (NM_018190.4); short protein forms D405G.
Identifiers: ClinVar variation 1713790 (VCV001713790.7), dbSNP rs776401951, ClinGen allele CA3064304.